The following is an entry in ClinVar:

ClinVar aggregate classification (germline): Likely benign (1 of 4 stars; one submission).

Conditions:
HTR2C-related disorder. Also called: HTR2C-related condition.

Submission:

PreventionGenetics, part of Exact Sciences
Classification: Likely benign for HTR2C-related condition. Last evaluated: 2025-06-19. Review status: criteria provided, single submitter. Criteria: ACMG Guidelines, 2015. Collection method: clinical testing. Allele origin: germline.
Comment: This variant is classified as likely benign based on ACMG/AMP sequence variant interpretation guidelines (Richards et al. 2015 PMID: 25741868, with internal and published modifications).

NM_000868.4(HTR2C):c.1086A>T (p.Gly362=)

Genes: HTR2C (5-hydroxytryptamine receptor 2C; plus strand), LOC126863306 (MED14-independent group 3 enhancer GRCh37_chrX:114140926-114142125; plus strand). Cytogenetic location: Xq23.
Variant type: single nucleotide variant.
Coding change: c.1086A>T on transcript NM_000868.4 (MANE Select); coding-DNA position 1086, A replaced by T.
Protein change: p.Gly362=; no amino-acid change (glycine 362 retained).
Molecular consequence: synonymous variant. On other transcripts: 3 prime UTR variant (1).
Genome position (GRCh38, 1-based): chrX:114,907,124, A>T. VCF-style: chrX-114907124-A-T. GRCh37 (hg19) VCF-style: chrX-114141687-A-T.
Other names: c.1086A>T, p.Gly362= (NM_001256760.3); c.*244A>T (NM_001256761.3).
Identifiers: ClinVar variation 4998570 (VCV004998570.1).
Genomic context (GRCh38, chrX:114,907,124, plus strand): 5'-CCAAAAGCTCATGGAAAAGCTTCTGAATGTGTTTGTTTGGATTGGCTATGTTTGTTCAGG[A>T]ATCAATCCTCTGGTGTATACTCTGTTCAACAAAATTTACCGAAGGGCATTCTCCAACTAT-3'
Protein context (NP_000859.2, residues 352-372): VFVWIGYVCS[Gly362=]INPLVYTLFN